The following is an entry in ClinVar:

NM_015662.3(IFT172):c.4755+9G>C

Genes: KRTCAP3 (keratinocyte associated protein 3; plus strand), IFT172 (intraflagellar transport 172; minus strand). Cytogenetic location: 2p23.3.
Variant type: single nucleotide variant.
Coding change: c.4755+9G>C on transcript NM_015662.3 (MANE Select); 9 bases into the intron after coding-DNA position 4755, G replaced by C.
Molecular consequence: intron variant.
Genome position (GRCh38, 1-based): chr2:27,446,251, C>G on the plus strand (G>C on the coding strand, the complement: IFT172 is on the minus strand). VCF-style: chr2-27446251-C-G. GRCh37 (hg19) VCF-style: chr2-27669118-C-G.
Other names: c.*6-50C>G (NM_001168364.2); c.4689+9G>C (NM_001410739.1).
Identifiers: ClinVar variation 767173 (VCV000767173.15), dbSNP rs375261962, ClinGen allele CA1579504.

ClinVar aggregate classification (germline): Benign/Likely benign. Review status: criteria provided, multiple submitters, no conflicts (2 of 4 stars). 4 submissions from 4 submitters: Benign (1); Likely benign (2). 1 of the submissions does not count toward it. Last evaluated 2026-01-26.

Conditions:
IFT172-related disorder. Also called: IFT172-related disorders; IFT172-related condition.
Short-rib thoracic dysplasia 10 with or without polydactyly (SRTD10). Identifiers: Orphanet 474, MedGen C3810175, MONDO:0014284, OMIM 615630.
Retinitis pigmentosa 71 (RP71). Identifiers: Orphanet 791, MedGen C4225342, MONDO:0014618, OMIM 616394.
Bardet-Biedl syndrome 20. Identifiers: MedGen C4310707, MONDO:0023670, OMIM 619471, MONDO:0014926.

Allele frequency attached by ClinVar (database versions not stated): ESP Exome Variant Server 0.00138; gnomAD 0.00135; 1000 Genomes Project 30x 0.00172; 1000 Genomes Project 0.00140; TOPMed 0.00135.
gnomAD v4.1: 372 of 1,613,728 alleles (0.023%); highest among the groups gnomAD compares: African/African-American, 0.44%; no homozygotes.

Submissions (4):

Labcorp Genetics (formerly Invitae), Labcorp
Classification: Benign for Retinitis pigmentosa 71; Short-rib thoracic dysplasia 10 with or without polydactyly. Last evaluated: 2026-01-26. Review status: criteria provided, single submitter. Criteria: Invitae Variant Classification Sherloc (09022015). Collection method: clinical testing. Allele origin: germline.

Blueprint Genetics
Classification: Likely benign. Last evaluated: 2022-11-18. Review status: criteria provided, single submitter. Criteria: ACMG Guidelines, 2015. Collection method: clinical testing. Allele origin: germline.

Fulgent Genetics
Classification: Likely benign for Short-rib thoracic dysplasia 10 with or without polydactyly; Retinitis pigmentosa 71; Bardet-Biedl syndrome 20. Last evaluated: 2021-09-15. Review status: criteria provided, single submitter. Criteria: ACMG Guidelines, 2015. Collection method: clinical testing. Allele origin: unknown.

PreventionGenetics, part of Exact Sciences
Classification: Likely benign for IFT172-related condition. Last evaluated: 2024-09-02. Review status: no assertion criteria provided. Collection method: clinical testing. Allele origin: germline. Not counted in ClinVar's aggregate classification.
Comment: This variant is classified as likely benign based on ACMG/AMP sequence variant interpretation guidelines (Richards et al. 2015 PMID: 25741868, with internal and published modifications).